The following is an entry in ClinVar:

NM_001018111.3(PODXL):c.567C>G (p.Pro189=)

Gene: PODXL (podocalyxin like; minus strand). Cytogenetic location: 7q32.3.
Variant type: single nucleotide variant.
Coding change: c.567C>G on transcript NM_001018111.3 (MANE Select); coding-DNA position 567, C replaced by G.
Protein change: p.Pro189=; no amino-acid change (proline 189 retained).
Molecular consequence: synonymous variant.
Genome position (GRCh38, 1-based): chr7:131,510,967, G>C on the plus strand (C>G on the coding strand, the complement: PODXL is on the minus strand). VCF-style: chr7-131510967-G-C. GRCh37 (hg19) VCF-style: chr7-131195726-G-C.
Other names: c.567C>G, p.Pro189= (NM_005397.4).
Identifiers: ClinVar variation 730221 (VCV000730221.12), dbSNP rs146891252, ClinGen allele CA4488674.
Genomic context (GRCh38, chr7:131,510,967, plus strand): 5'-AAGATGGTCATGTCCCGAGCTTGTTGGGGTGGCCACAGGATGCGTCGAAGTGGGTTGTCG[G>C]GGGCTAAGTGGACTTGTAGGGTGAGGGGTCGTCAGATGTTCTGCCTTAGTGGATGTGAGG-3'
Protein context (NP_001018121.1, residues 179-199): TTPHPTSPLS[Pro189=]RQPTSTHPVA

ClinVar aggregate classification (germline): Benign. Review status: criteria provided, single submitter (1 of 4 stars). 2 submissions from 2 submitters: Benign (1). 1 of the submissions does not count toward it. Last evaluated 2024-10-22.

Conditions:
PODXL-related disorder. Also called: PODXL-related condition.

Allele frequency attached by ClinVar (database versions not stated): gnomAD 0.00017 and 0.00009; 1000 Genomes Project 0.00060; TOPMed 0.00023; ExAC 0.00045; gnomAD exomes 0.00043; 1000 Genomes Project 30x 0.00047.
gnomAD v4.1: 503 of 1,614,146 alleles (0.031%); highest among the groups gnomAD compares: East Asian, 1.1%; 7 homozygotes.

Submissions (2):

Labcorp Genetics (formerly Invitae), Labcorp
Classification: Benign. Last evaluated: 2024-10-22. Review status: criteria provided, single submitter. Criteria: Invitae Variant Classification Sherloc (09022015). Collection method: clinical testing. Allele origin: germline.

PreventionGenetics, part of Exact Sciences
Classification: Likely benign for PODXL-related condition. Last evaluated: 2022-12-19. Review status: no assertion criteria provided. Collection method: clinical testing. Allele origin: germline. Not counted in ClinVar's aggregate classification.
Comment: This variant is classified as likely benign based on ACMG/AMP sequence variant interpretation guidelines (Richards et al. 2015 PMID: 25741868, with internal and published modifications).